The following is an entry in ClinVar:

NM_032119.4(ADGRV1):c.14218G>A (p.Gly4740Arg)

Gene: ADGRV1 (adhesion G protein-coupled receptor V1; plus strand). Cytogenetic location: 5q14.3.
Variant type: single nucleotide variant.
Coding change: c.14218G>A on transcript NM_032119.4 (MANE Select); coding-DNA position 14218, G replaced by A.
Protein change: p.Gly4740Arg; replaces glycine 4740 with arginine.
Molecular consequence: missense variant. On other transcripts: non-coding transcript variant (1).
Genome position (GRCh38, 1-based): chr5:90,791,047, G>A. VCF-style: chr5-90791047-G-A. GRCh37 (hg19) VCF-style: chr5-90086864-G-A.
Other names: short protein forms G4740R.
Identifiers: ClinVar variation 2122499 (VCV002122499.4), dbSNP rs2532008615, ClinGen allele CA360400718.
Genomic context (GRCh38, chr5:90,791,047, plus strand): 5'-CCAGATGAGGTACCTGAGATAGAGGAAGATTATGTGATCCAGCTTGTTTCTGTAGAGGGA[G>A]GAGCCGAACTGGATCTGGAGAAGAGTATCACATGGTTCTCTGTTTATGCAAATGATGACC-3'
Protein context (NP_115495.3, residues 4730-4750): YVIQLVSVEG[Gly4740Arg]AELDLEKSIT

ClinVar aggregate classification (germline): Uncertain significance (1 of 4 stars; one submission).

Submission:

Labcorp Genetics (formerly Invitae), Labcorp
Classification: Uncertain significance. Last evaluated: 2022-04-11. Review status: criteria provided, single submitter. Criteria: Invitae Variant Classification Sherloc (09022015). Collection method: clinical testing. Allele origin: germline.
Comment: Algorithms developed to predict the effect of missense changes on protein structure and function are either unavailable or do not agree on the potential impact of this missense change (SIFT: "Deleterious"; PolyPhen-2: "Probably Damaging"; Align-GVGD: "Class C0"). In summary, the available evidence is currently insufficient to determine the role of this variant in disease. Therefore, it has been classified as a Variant of Uncertain Significance. This variant has not been reported in the literature in individuals affected with ADGRV1-related conditions. This sequence change replaces glycine, which is neutral and non-polar, with arginine, which is basic and polar, at codon 4740 of the ADGRV1 protein (p.Gly4740Arg). This variant is not present in population databases (gnomAD no frequency).